The following is an entry in ClinVar:

NM_004211.5(SLC6A5):c.1956C>G (p.Ile652Met)

Gene: SLC6A5 (solute carrier family 6 member 5; plus strand). Cytogenetic location: 11p15.1.
Variant type: single nucleotide variant.
Coding change: c.1956C>G on transcript NM_004211.5 (MANE Select); coding-DNA position 1956, C replaced by G.
Protein change: p.Ile652Met; replaces isoleucine 652 with methionine.
Molecular consequence: missense variant.
Genome position (GRCh38, 1-based): chr11:20,638,545, C>G. VCF-style: chr11-20638545-C-G. GRCh37 (hg19) VCF-style: chr11-20660091-C-G.
Other names: c.1254C>G, p.Ile418Met (NM_001318369.2); short protein forms I652M, I418M.
Identifiers: ClinVar variation 2179736 (VCV002179736.4), dbSNP rs1235664319, ClinGen allele CA379918741.

ClinVar aggregate classification (germline): Uncertain significance (1 of 4 stars; one submission).

Conditions:
Hyperekplexia 3 (HKPX3). Also called: HYPEREKPLEXIA 3, AUTOSOMAL RECESSIVE; HYPEREKPLEXIA 3, AUTOSOMAL DOMINANT. Identifiers: Orphanet 3197, MedGen C3553288, MONDO:0013827, OMIM 614618.

Allele frequency attached by ClinVar (database versions not stated): gnomAD exomes below 0.00001; TOPMed below 0.00001; gnomAD 0.00001.
gnomAD v4.1: 2 of 1,602,986 alleles (0.00012%); highest among the groups gnomAD compares: Non-Finnish European, 0.00017%; no homozygotes.

Submission:

Labcorp Genetics (formerly Invitae), Labcorp
Classification: Uncertain significance for Hyperekplexia 3. Last evaluated: 2022-06-28. Review status: criteria provided, single submitter. Criteria: Invitae Variant Classification Sherloc (09022015). Collection method: clinical testing. Allele origin: germline.
Comment: In summary, the available evidence is currently insufficient to determine the role of this variant in disease. Therefore, it has been classified as a Variant of Uncertain Significance. Algorithms developed to predict the effect of missense changes on protein structure and function are either unavailable or do not agree on the potential impact of this missense change (SIFT: "Deleterious"; PolyPhen-2: "Probably Damaging"; Align-GVGD: "Class C0"). This variant has not been reported in the literature in individuals affected with SLC6A5-related conditions. This variant is present in population databases (no rsID available, gnomAD 0.0009%). This sequence change replaces isoleucine, which is neutral and non-polar, with methionine, which is neutral and non-polar, at codon 652 of the SLC6A5 protein (p.Ile652Met).